The following is an entry in ClinVar:

ClinVar aggregate classification (germline): Likely benign (0 of 4 stars; one submission).

Conditions:
CACNA2D3-related disorder. Also called: CACNA2D3-related condition.

Allele frequency attached by ClinVar (database versions not stated): gnomAD exomes below 0.00001; ExAC 0.00001; gnomAD 0.00001.
gnomAD v4.1: 3 of 1,603,180 alleles (0.00019%); highest among the groups gnomAD compares: Admixed American, 0.005%; no homozygotes.

Submission:

PreventionGenetics, part of Exact Sciences
Classification: Likely benign for CACNA2D3-related condition. Last evaluated: 2019-03-05. Review status: no assertion criteria provided. Collection method: clinical testing. Allele origin: germline.
Comment: This variant is classified as likely benign based on ACMG/AMP sequence variant interpretation guidelines (Richards et al. 2015 PMID: 25741868, with internal and published modifications).

NM_018398.3(CACNA2D3):c.1627-9C>G

Gene: CACNA2D3 (calcium voltage-gated channel auxiliary subunit alpha2delta 3; plus strand). Cytogenetic location: 3p14.3.
Variant type: single nucleotide variant.
Coding change: c.1627-9C>G on transcript NM_018398.3 (MANE Select); 9 bases into the intron before coding-DNA position 1627, C replaced by G.
Molecular consequence: intron variant.
Genome position (GRCh38, 1-based): chr3:54,871,530, C>G. VCF-style: chr3-54871530-C-G. GRCh37 (hg19) VCF-style: chr3-54905557-C-G.
Identifiers: ClinVar variation 3058397 (VCV003058397.2), dbSNP rs776240200, ClinGen allele CA2457838.